The following is an entry in ClinVar:

NM_182493.3(MYLK3):c.477+4G>C

Gene: MYLK3 (myosin light chain kinase 3; minus strand). Cytogenetic location: 16q11.2.
Variant type: single nucleotide variant.
Coding change: c.477+4G>C on transcript NM_182493.3 (MANE Select); 4 bases into the intron after coding-DNA position 477, G replaced by C.
Molecular consequence: intron variant.
Genome position (GRCh38, 1-based): chr16:46,747,713, C>G on the plus strand (G>C on the coding strand, the complement: MYLK3 is on the minus strand). VCF-style: chr16-46747713-C-G. GRCh37 (hg19) VCF-style: chr16-46781625-C-G.
Other names: c.-113-7566G>C (NM_001308301.1).
Identifiers: ClinVar variation 1515283 (VCV001515283.6), dbSNP rs754119339, ClinGen allele CA8038246.

ClinVar aggregate classification (germline): Uncertain significance (1 of 4 stars; one submission).

Allele frequency attached by ClinVar (database versions not stated): ExAC 0.00001; gnomAD exomes 0.00001 and 0.00002; TOPMed 0.00001; gnomAD 0.00002.
gnomAD v4.1: 31 of 1,608,976 alleles (0.0019%); highest among the groups gnomAD compares: Non-Finnish European, 0.0025%; no homozygotes.

Submission:

Labcorp Genetics (formerly Invitae), Labcorp
Classification: Uncertain significance. Last evaluated: 2024-12-24. Review status: criteria provided, single submitter. Criteria: Invitae Variant Classification Sherloc (09022015). Collection method: clinical testing. Allele origin: germline.
Comment: This sequence change falls in intron 1 of the MYLK3 gene. It does not directly change the encoded amino acid sequence of the MYLK3 protein. It affects a nucleotide within the consensus splice site. This variant is present in population databases (rs754119339, gnomAD 0.002%). This variant has not been reported in the literature in individuals affected with MYLK3-related conditions. ClinVar contains an entry for this variant (Variation ID: 1515283). Variants that disrupt the consensus splice site are a relatively common cause of aberrant splicing (PMID: 17576681, 9536098). Algorithms developed to predict the effect of sequence changes on RNA splicing suggest that this variant is not likely to affect RNA splicing. In summary, the available evidence is currently insufficient to determine the role of this variant in disease. Therefore, it has been classified as a Variant of Uncertain Significance.

Literature cited by the submitters: PubMed 17576681; PubMed 9536098.